The following is an entry in ClinVar:

NM_000110.4(DPYD):c.188A>G (p.Lys63Arg)

Gene: DPYD (dihydropyrimidine dehydrogenase; minus strand). Cytogenetic location: 1p21.3.
Variant type: single nucleotide variant.
Coding change: c.188A>G on transcript NM_000110.4 (MANE Select); coding-DNA position 188, A replaced by G.
Protein change: p.Lys63Arg; replaces lysine 63 with arginine.
Molecular consequence: missense variant.
Genome position (GRCh38, 1-based): chr1:97,828,159, T>C on the plus strand (A>G on the coding strand, the complement: DPYD is on the minus strand). VCF-style: chr1-97828159-T-C. GRCh37 (hg19) VCF-style: chr1-98293715-T-C.
Other names: c.188A>G, p.Lys63Arg (NM_001160301.1); short protein forms K63R.
Identifiers: ClinVar variation 5007356 (VCV005007356.2).
Genomic context (GRCh38, chr1:97,828,159, plus strand): 5'-GTGACCCAGACTTACCTCATTGCTTCTCGGAGAGCTCCTCGCTCACCAAGAGTCGTGTGC[T>C]TGATGTCATCAAAATTATTCTCCAGCTTCTCACAATTCTGCAACATATTTAAAAATTGCA-3'
Protein context (NP_000101.2, residues 53-73): EKLENNFDDI[Lys63Arg]HTTLGERGAL

ClinVar aggregate classification (germline): Uncertain significance (1 of 4 stars; one submission).

Conditions:
Dihydropyrimidine dehydrogenase deficiency (DPYDD). Also called: Hereditary Thymine-Uraciluria; DPD DEFICIENCY; DPYD DEFICIENCY. Identifiers: Orphanet 1675, MedGen C1959620, MONDO:0010130, OMIM 274270.

Submission:

Juno Genomics, Hangzhou Juno Genomics, Inc
Classification: Uncertain significance for Dihydropyrimidine dehydrogenase deficiency. Review status: criteria provided, single submitter. Criteria: ACMG Guidelines, 2015. Collection method: clinical testing. Allele origin: germline.
Comment: Absent from controls (or at extremely low frequency if recessive) in Genome Aggregation Database.